The following is an entry in ClinVar:

ClinVar aggregate classification (germline): Uncertain significance (1 of 4 stars; one submission).

Submission:

Labcorp Genetics (formerly Invitae), Labcorp
Classification: Uncertain significance. Last evaluated: 2024-10-17. Review status: criteria provided, single submitter. Criteria: Invitae Variant Classification Sherloc (09022015). Collection method: clinical testing. Allele origin: germline.
Comment: This sequence change replaces leucine, which is neutral and non-polar, with proline, which is neutral and non-polar, at codon 236 of the GUF1 protein (p.Leu236Pro). This variant is not present in population databases (gnomAD no frequency). This variant has not been reported in the literature in individuals affected with GUF1-related conditions. ClinVar contains an entry for this variant (Variation ID: 1999007). Invitae Evidence Modeling of protein sequence and biophysical properties (such as structural, functional, and spatial information, amino acid conservation, physicochemical variation, residue mobility, and thermodynamic stability) indicates that this missense variant is expected to disrupt GUF1 protein function with a positive predictive value of 80%. In summary, the available evidence is currently insufficient to determine the role of this variant in disease. Therefore, it has been classified as a Variant of Uncertain Significance.

NM_021927.3(GUF1):c.707T>C (p.Leu236Pro)

Gene: GUF1 (GTP binding elongation factor GUF1; plus strand). Cytogenetic location: 4p12.
Variant type: single nucleotide variant.
Coding change: c.707T>C on transcript NM_021927.3 (MANE Select); coding-DNA position 707, T replaced by C.
Protein change: p.Leu236Pro; replaces leucine 236 with proline.
Molecular consequence: missense variant. On other transcripts: 5 prime UTR variant (2).
Genome position (GRCh38, 1-based): chr4:44,685,996, T>C. VCF-style: chr4-44685996-T-C. GRCh37 (hg19) VCF-style: chr4-44688013-T-C.
Other names: c.-266T>C (NM_001345867.2, NM_001345869.2); c.707T>C, p.Leu236Pro (NM_001345868.2); short protein forms L236P.
Identifiers: ClinVar variation 1999007 (VCV001999007.4), dbSNP rs2545497088, ClinGen allele CA356762170.